The following is an entry in ClinVar:

NM_001354604.2(MITF):c.881C>T (p.Ala294Val)

Gene: MITF (melanocyte inducing transcription factor; plus strand). Cytogenetic location: 3p13.
Variant type: single nucleotide variant.
Coding change: c.881C>T on transcript NM_001354604.2 (MANE Select); coding-DNA position 881, C replaced by T.
Protein change: p.Ala294Val; replaces alanine 294 with valine.
Molecular consequence: missense variant. On other transcripts: intron variant (9).
Genome position (GRCh38, 1-based): chr3:69,951,812, C>T. VCF-style: chr3-69951812-C-T. GRCh37 (hg19) VCF-style: chr3-70000963-C-T.
Other names: c.560C>T, p.Ala187Val (NM_000248.4); c.878C>T, p.Ala293Val (NM_001354605.2); c.830-18C>T (NM_001354607.2); c.725-18C>T (NM_001354608.2, NM_001184967.2); c.881-18C>T (NM_198159.3); c.878-18C>T (NM_001354606.2, NM_006722.3); c.833-18C>T (NM_198177.3); c.560-18C>T (NM_198158.3); and 1 more; short protein forms A187V, A293V, A294V.
Identifiers: ClinVar variation 1314112 (VCV001314112.11), dbSNP rs373945151, ClinGen allele CA2490507.

ClinVar aggregate classification (germline): Uncertain significance. Review status: criteria provided, multiple submitters, no conflicts (2 of 4 stars). 5 submissions from 5 submitters: Uncertain significance (5). Last evaluated 2026-01-10.

Conditions:
Waardenburg syndrome type 2A (WS2A). Also called: WAARDENBURG SYNDROME WITHOUT DYSTOPIA CANTHORUM. Identifiers: Orphanet 3440, MedGen C1860339, MONDO:0008671, OMIM 193510.
Coloboma, osteopetrosis, microphthalmia, macrocephaly, albinism, and deafness (COMMAD). Also called: COMMAD syndrome. Identifiers: Orphanet 603494, MedGen C4310625, MONDO:0015014, OMIM 617306.
Melanoma, cutaneous malignant, susceptibility to, 8. Also called: MELANOMA AND RENAL CELL CARCINOMA, SUSCEPTIBILITY TO; Cutaneous malignant melanoma 8. Identifiers: Orphanet 293822, MedGen C3152204, MONDO:0013759, OMIM 614456.
Tietz syndrome (TADS). Also called: ALBINISM-DEAFNESS OF TIETZ; TIETZ ALBINISM-DEAFNESS SYNDROME; HYPOPIGMENTATION/DEAFNESS OF TIETZ. Identifiers: Orphanet 42665, MedGen C0391816, MONDO:0007077, OMIM 103500.
Hereditary cancer-predisposing syndrome. Also called: Hereditary neoplastic syndrome; Neoplastic Syndromes, Hereditary; Tumor predisposition; Hereditary Cancer Syndrome. Identifiers: Orphanet 140162, MedGen C0027672, MeSH D009386, MONDO:0015356.

Allele frequency attached by ClinVar (database versions not stated): gnomAD 0.00002 and 0.00003; gnomAD exomes 0.00002; ExAC 0.00003; TOPMed 0.00004; ESP Exome Variant Server 0.00008; 1000 Genomes Project 30x 0.00016; 1000 Genomes Project 0.00020.
gnomAD v4.1: 18 of 1,612,598 alleles (0.0011%); highest among the groups gnomAD compares: African/African-American, 0.0053%; no homozygotes.

Submissions (5):

Labcorp Genetics (formerly Invitae), Labcorp
Classification: Uncertain significance for Melanoma, cutaneous malignant, susceptibility to, 8; Waardenburg syndrome type 2A; Tietz syndrome. Last evaluated: 2026-01-10. Review status: criteria provided, single submitter. Criteria: Invitae Variant Classification Sherloc (09022015). Collection method: clinical testing. Allele origin: germline.
Comment: This sequence change replaces alanine, which is neutral and non-polar, with valine, which is neutral and non-polar, at codon 187 of the MITF protein (p.Ala187Val). This variant is present in population databases (rs373945151, gnomAD 0.008%). This variant has not been reported in the literature in individuals affected with MITF-related conditions. ClinVar contains an entry for this variant (Variation ID: 1314112). An algorithm developed to predict the effect of missense changes on protein structure and function (PolyPhen-2) suggests that this variant is likely to be disruptive. In summary, the available evidence is currently insufficient to determine the role of this variant in disease. Therefore, it has been classified as a Variant of Uncertain Significance.

Ambry Genetics
Classification: Uncertain significance for Hereditary cancer-predisposing syndrome. Last evaluated: 2024-12-20. Review status: criteria provided, single submitter. Criteria: Ambry Variant Classification Scheme 2023. Collection method: clinical testing. Allele origin: germline.
Comment: The p.A187V variant (also known as c.560C>T) is located in coding exon 6 of the MITF gene. The alanine at codon 187 is replaced by valine, an amino acid with similar properties. This change occurs in the first base pair of coding exon 6. This amino acid position is conserved. In addition, this alteration is predicted to be tolerated by in silico analysis. Based on the available evidence, the clinical significance of this variant remains unclear.

Genomic Medicine Center of Excellence, King Faisal Specialist Hospital and Research Centre
Classification: Uncertain significance for Waardenburg syndrome type 2A. Last evaluated: 2024-03-29. Review status: criteria provided, single submitter. Criteria: ACMG Guidelines, 2015. Collection method: clinical testing. Allele origin: germline.

Fulgent Genetics
Classification: Uncertain significance for Tietz syndrome; Waardenburg syndrome type 2A; Melanoma, cutaneous malignant, susceptibility to, 8; Coloboma, osteopetrosis, microphthalmia, macrocephaly, albinism, and deafness. Last evaluated: 2024-03-26. Review status: criteria provided, single submitter. Criteria: ACMG Guidelines, 2015. Collection method: clinical testing. Allele origin: germline.

GeneDx
Classification: Uncertain significance. Last evaluated: 2023-11-01. Review status: criteria provided, single submitter. Criteria: GeneDx Variant Classification Process June 2021. Collection method: clinical testing. Allele origin: germline. Affected: yes.
Comment: In silico analysis supports that this missense variant does not alter protein structure/function; Has not been previously published as pathogenic or benign to our knowledge